The following is an entry in ClinVar:

NM_005343.4(HRAS):c.191_217dup (p.Met72_Arg73insHisSerAlaMetArgAspGlnTyrMet)

Genes: HRAS (HRas proto-oncogene, GTPase; minus strand), LRRC56 (leucine rich repeat containing 56; plus strand). Cytogenetic location: 11p15.5.
Variant type: Duplication.
Coding change: c.191_217dup on transcript NM_005343.4 (MANE Select); coding-DNA positions 191 to 217, 27 bases duplicated (ACAGCGCCATGCGGGACCAGTACATGC).
Protein change: p.Met72_Arg73insHisSerAlaMetArgAspGlnTyrMet.
Molecular consequence: inframe insertion. On other transcripts: 5 prime UTR variant (1).
Genome position (GRCh38, 1-based): chr11:533,839-533,865, GCATGTACTGGTCCCGCATGGCGCTGT duplicated on the plus strand (ACAGCGCCATGCGGGACCAGTACATGC on the coding strand, the reverse complement: HRAS is on the minus strand). VCF-style (leftmost placement, unchanged base first): chr11-533838-C-CGCATGTACTGGTCCCGCATGGCGCTGT. GRCh37 (hg19) VCF-style: chr11-533838-C-CGCATGTACTGGTCCCGCATGGCGCTGT.
Other names: c.191_217dup, p.Met72_Arg73insHisSerAlaMetArgAspGlnTyrMet (NM_001130442.3, NM_176795.5); c.-129_-103dup (NM_001318054.2).
Identifiers: ClinVar variation 1691375 (VCV001691375.3), dbSNP rs2133990580, ClinGen allele CA2573147055.

ClinVar aggregate classification (germline): Likely pathogenic. Review status: criteria provided, multiple submitters, no conflicts (2 of 4 stars). 2 submissions from 2 submitters: Likely pathogenic (2). Last evaluated 2025-08-20.

Conditions:
Vascular malformation. Also called: Vascular malformations. Identifiers: MedGen C0158570, MONDO:0024291.

Submissions (2):

Clinical Genomics Laboratory, Washington University in St. Louis
Classification: Likely pathogenic for Vascular malformation. Last evaluated: 2025-08-20. Review status: criteria provided, single submitter. Criteria: Leon-Quintero et al. (Clin Genet. 2025). Collection method: clinical testing. Allele origin: somatic.
Comment: An HRAS c.191_217dup (p.Met72_Arg73insHisSerAlaMetArgAspGlnTyrMet) variant was identified at an allelic fraction consistent with somatic origin. This variant has been reported in the literature in two individuals affected with vascular malformations (Li D et al., PMID: 37264205; Schmidt V et al., PMID: 38563363). In addition, several other very similar indels in this region in the RAS genes have been reported in individuals with vascular malformations (Hou YC et al., PMID: 36571464; Eijkelenboom A et al., PMID: 31160609; Hong T et al., PMID: 30544177; Konczyk DJ et al., PMID: 31637524). It is absent from the general population (gnomAD v.4.1.0), indicating it is not a common variant. The HRAS c.191_217dup (p.Met72_Arg73insHisSerAlaMetArgAspGlnTyrMet) variant resides within a region, the switch II domain, of HRAS that is defined as a region critical for binding regulator and effector proteins (Vetter IR et al., PMID: 11701921). This variant is predicted to cause a change in the length of the protein due to an in-frame insertion of nine amino acids in a non-repeat region. Functional analyses of similar in-frame insertions and duplications in the HRAS switch II domain have demonstrated that these variants lead to increased RAS signaling (Eijkelenboom A et al., PMID: 31160609). This variant has been reported in the ClinVar database as a likely pathogenic variant in the germline state by one submitter (ClinVar Variation ID: 1691375). Based on an internally developed protocol informed by the ACMG/AMP guidelines (Leon-Quintero FZ, et al., PMID: 39434542) and gene-specific practices from the ClinGen Criteria Specification Registry, the HRAS c.191_217dup (p.Met72_Arg73insHisSerAlaMetArgAspGlnTyrMet) variant is classified as likely pathogenic.

Seattle Children's Hospital Molecular Genetics Laboratory, Seattle Children's Hospital
Classification: Likely pathogenic. Last evaluated: 2022-01-17. Review status: criteria provided, single submitter. Criteria: ACMG Guidelines, 2015. Collection method: clinical testing. Allele origin: somatic. Affected: yes.
Comment: A likely pathogenic variant was identified in exon 3 of HRAS (NM_005343.2:c.191_217dup27, p.Met72_Arg73insHisSerAlaMetArgAspGlnTyrMet). This variant was detected in 1.2% of reads, consistent with somatic origin. This variant is absent from the medical literature and the general population (gnomAD v2.1.1) The duplication of 27 base pairs causes an in-frame insertion of nine amino acids in the HRAS switch II domain, a region critical for binding regulator and effector proteins (PMID: 11701921). Although the c.191_217dup27 variant has not been previously reported, in-frame insertions and duplications within the switch II domain have been reported in individuals with arteriovenous malformations (PMID: 31637524) and RASopathies (PMID: 31160609, PMID: 23335589). In addition, functional analyses of similar in-frame insertions and duplications in the HRAS switch II domain have demonstrated that these variants lead to increased RAS signaling (PMID: 31160609, PMID: 23335589)